The following is an entry in ClinVar:

NM_000238.4(KCNH2):c.1332G>A (p.Glu444=)

Gene: KCNH2 (potassium voltage-gated channel subfamily H member 2; minus strand). Cytogenetic location: 7q36.1.
Variant type: single nucleotide variant.
Coding change: c.1332G>A on transcript NM_000238.4 (MANE Select); coding-DNA position 1332, G replaced by A.
Protein change: p.Glu444=; no amino-acid change (glutamic acid 444 retained).
Molecular consequence: synonymous variant. On other transcripts: non-coding transcript variant (2).
Genome position (GRCh38, 1-based): chr7:150,952,650, C>T on the plus strand (G>A on the coding strand, the complement: KCNH2 is on the minus strand). VCF-style: chr7-150952650-C-T. GRCh37 (hg19) VCF-style: chr7-150649738-C-T.
Other names: p.Glu444=; c.1332G>A (NM_000238.2); c.312G>A, p.Glu104= (NM_001204798.2, NM_172057.3); c.1044G>A, p.Glu348= (NM_001406753.1, NM_001406756.1); c.1155G>A, p.Glu385= (NM_001406755.1); c.1032G>A, p.Glu344= (NM_001406757.1); c.1332G>A, p.Glu444= (NM_172056.3).
Identifiers: ClinVar variation 237289 (VCV000237289.41), dbSNP rs9770044, ClinGen allele CA027740.
Genomic context (GRCh38, chr7:150,952,650, plus strand): 5'-AATGAACATGATGTCCACGATGAGGTCCACCACAGCCAGCGGCTGGCAGGCGTAGCCACA[C>T]TCGGTAGCAGGCGGGCCTTCTTCCGTCTCCTTCAGCAGGAAGGCAGCCGAGTAGGGTGTG-3'
Protein context (NP_000229.1, residues 434-454): KETEEGPPAT[Glu444=]CGYACQPLAV

ClinVar aggregate classification (germline): Benign/Likely benign. Review status: criteria provided, multiple submitters, no conflicts (2 of 4 stars). 13 submissions from 13 submitters: Benign (9); Likely benign (2). 2 of the submissions do not count toward it. Last evaluated 2026-02-03.

Conditions:
Cardiovascular phenotype. Identifiers: MedGen CN230736.
Cardiac arrhythmia. Also called: Cardiac rhythm disease; Arrhythmia. Identifiers: MedGen C0003811, MONDO:0007263, HP:0011675.
Long QT syndrome (LQTS). Identifiers: MedGen C0023976, MeSH D008133, MONDO:0002442. Disease mechanism: loss of function. Inheritance: Various modes of inheritance.
Long QT syndrome 2 (LQT2). Identifiers: Orphanet 101016, Orphanet 768, MedGen C3150943, MONDO:0013367, OMIM 613688.

Allele frequency attached by ClinVar (database versions not stated): gnomAD exomes 0.00104 and 0.00279; ExAC 0.00342; 1000 Genomes Project 0.01078; 1000 Genomes Project 30x 0.01109; gnomAD 0.01124 and 0.01204; TOPMed 0.01208; ESP Exome Variant Server 0.01246.
gnomAD v4.1: 3,269 of 1,614,220 alleles (0.2%); highest among the groups gnomAD compares: African/African-American, 4%; 77 homozygotes.

Submissions (13):

Labcorp Genetics (formerly Invitae), Labcorp
Classification: Benign for Long QT syndrome. Last evaluated: 2026-02-03. Review status: criteria provided, single submitter. Criteria: Invitae Variant Classification Sherloc (09022015). Collection method: clinical testing. Allele origin: germline.

Molecular Diagnostic Laboratory for Inherited Cardiovascular Disease, Montreal Heart Institute
Classification: Benign. Last evaluated: 2025-04-09. Review status: criteria provided, single submitter. Criteria: ACMG Guidelines, 2015. Collection method: clinical testing. Allele origin: germline. Affected: no.

ARUP Laboratories, Molecular Genetics and Genomics, ARUP Laboratories
Classification: Benign. Last evaluated: 2025-03-26. Review status: criteria provided, single submitter. Criteria: ARUP Molecular Germline Variant Investigation Process 2024. Collection method: clinical testing. Allele origin: germline.

All of Us Research Program, National Institutes of Health
Classification: Benign for Long QT syndrome. Last evaluated: 2024-02-05. Review status: criteria provided, single submitter. Criteria: ACMG Guidelines, 2015. Collection method: clinical testing. Allele origin: germline. Inheritance: Autosomal dominant inheritance. Observed: 634 variant alleles, 622 heterozygotes, 12 homozygotes.
Comment: This study involves interpretation of variants in research participants for the purpose of population health screening. Participant phenotype was not available at the time of variant classification. Additional details can be found in publication PMID: 35346344, PMCID: PMC8962531

Illumina Laboratory Services, Illumina
Classification: Likely benign for Long QT syndrome 2. Last evaluated: 2018-08-30. Review status: criteria provided, single submitter. Criteria: ICSL Variant Classification Criteria 13 December 2019. Collection method: clinical testing. Allele origin: germline.
Comment: This variant was observed as part of a predisposition screen in an ostensibly healthy population. A literature search was performed for the gene, cDNA change, and amino acid change (where applicable). No publications were found based on this search. Allele frequency data from public databases allowed determination this variant is unlikely to cause disease. Therefore, this variant is classified as likely benign.

Color Diagnostics, LLC DBA Color Health
Classification: Benign for Arrhythmia. Last evaluated: 2018-03-16. Review status: criteria provided, single submitter. Criteria: ACMG Guidelines, 2015. Collection method: clinical testing. Allele origin: germline.

Mayo Clinic Laboratories, Mayo Clinic
Classification: Benign. Last evaluated: 2015-12-08. Review status: criteria provided, single submitter. Criteria: ACMG Guidelines, 2015. Collection method: clinical testing. Allele origin: germline. Observed: 18 variant alleles.

Genomic Diagnostic Laboratory, Division of Genomic Diagnostics, Children's Hospital of Philadelphia
Classification: Benign for Long QT syndrome 2. Last evaluated: 2015-10-13. Review status: criteria provided, single submitter. Criteria: DGD Variant Analysis Guidelines. Collection method: clinical testing. Allele origin: unknown.

Ambry Genetics
Classification: Benign for Cardiovascular phenotype. Last evaluated: 2015-08-13. Review status: criteria provided, single submitter. Criteria: Ambry Variant Classification Scheme 2023. Collection method: clinical testing. Allele origin: germline.

GeneDx
Classification: Benign. Last evaluated: 2015-03-03. Review status: criteria provided, single submitter. Criteria: GeneDx Variant Classification Process June 2021. Collection method: clinical testing. Allele origin: germline. Affected: yes.

Breakthrough Genomics
Classification: Likely benign. Review status: criteria provided, single submitter. Criteria: ACMG Guidelines, 2015. Collection method: not provided. Allele origin: germline. Inheritance: Autosomal dominant inheritance. Affected: yes.

Clinical Genetics, Academic Medical Center
Classification: Benign. Review status: no assertion criteria provided. Collection method: clinical testing. Allele origin: germline. Affected: yes. Study: VKGL Data-share Consensus. Not counted in ClinVar's aggregate classification.

Diagnostic Laboratory, Department of Genetics, University Medical Center Groningen
Classification: Likely benign. Review status: no assertion criteria provided. Collection method: clinical testing. Allele origin: germline. Affected: yes. Study: VKGL Data-share Consensus. Not counted in ClinVar's aggregate classification.